The following is an entry in ClinVar:

ClinVar aggregate classification (germline): Uncertain significance (1 of 4 stars; one submission).

Conditions:
Hereditary cancer-predisposing syndrome. Also called: Neoplastic Syndromes, Hereditary; Hereditary Cancer Syndrome; Tumor predisposition; Hereditary neoplastic syndrome. Identifiers: Orphanet 140162, MedGen C0027672, MeSH D009386, MONDO:0015356.

Submission:

Ambry Genetics
Classification: Uncertain significance for Hereditary cancer-predisposing syndrome. Last evaluated: 2024-12-20. Review status: criteria provided, single submitter. Criteria: Ambry Variant Classification Scheme 2023. Collection method: clinical testing. Allele origin: germline.
Comment: The c.137+5G>C intronic variant results from a G to C substitution 5 nucleotides after coding exon 1 in the RB1 gene. This nucleotide position is highly conserved in available vertebrate species. This variant was reported in individuals with features consistent with retinoblastoma. In silico splice site analysis predicts that this alteration will not have any significant effect on splicing; however, direct evidence is insufficient at this time (Ambry internal data). Based on the available evidence, the clinical significance of this variant remains unclear.

NM_000321.3(RB1):c.137+5G>C

Gene: RB1 (RB transcriptional corepressor 1; plus strand). Cytogenetic location: 13q14.2.
Variant type: single nucleotide variant.
Coding change: c.137+5G>C on transcript NM_000321.3 (MANE Select); 5 bases into the intron after coding-DNA position 137, G replaced by C.
Molecular consequence: intron variant.
Genome position (GRCh38, 1-based): chr13:48,304,054, G>C. VCF-style: chr13-48304054-G-C. GRCh37 (hg19) VCF-style: chr13-48878190-G-C.
Other names: c.137+5G>C (NM_001407165.1, NM_001407166.1, NM_001407167.1).
Identifiers: ClinVar variation 3787262 (VCV003787262.1).
Genomic context (GRCh38, chr13:48,304,054, plus strand): 5'-CCTCCTGAGGAGGACCCAGAGCAGGACAGCGGCCCGGAGGACCTGCCTCTCGTCAGGTGA[G>C]CGAGCAGAGCCGCCGTCGCCTCACGCGGGAAGGGCGCCCCGGGTGTGCGTAGGGCGGGCG-3'